The following is an entry in ClinVar:

ClinVar aggregate classification (germline): Uncertain significance. Review status: criteria provided, multiple submitters, no conflicts (2 of 4 stars). 4 submissions from 4 submitters: Uncertain significance (4). Last evaluated 2025-02-03.

Conditions:
Familial adenomatous polyposis 1 (FAP1). Also called: POLYPOSIS, ADENOMATOUS INTESTINAL; FAMILIAL ADENOMATOUS POLYPOSIS 1, ATTENUATED. Identifiers: MedGen C2713442, MONDO:0021056, OMIM 175100. Disease mechanism: loss of function.
Hereditary cancer-predisposing syndrome. Also called: Neoplastic Syndromes, Hereditary; Hereditary Cancer Syndrome; Tumor predisposition; Hereditary neoplastic syndrome. Identifiers: Orphanet 140162, MedGen C0027672, MeSH D009386, MONDO:0015356.

Allele frequency attached by ClinVar (database versions not stated): TOPMed below 0.00001; gnomAD 0.00001; gnomAD exomes 0.00001.
gnomAD v4.1: 4 of 1,613,320 alleles (0.00025%); highest among the groups gnomAD compares: Non-Finnish European, 0.00034%; no homozygotes.

Submissions (4):

Ambry Genetics
Classification: Uncertain significance for Hereditary cancer-predisposing syndrome. Last evaluated: 2025-02-03. Review status: criteria provided, single submitter. Criteria: Ambry Variant Classification Scheme 2023. Collection method: clinical testing. Allele origin: germline.
Comment: The p.G471E variant (also known as c.1412G>A), located in coding exon 11 of the APC gene, results from a G to A substitution at nucleotide position 1412. The glycine at codon 471 is replaced by glutamic acid, an amino acid with similar properties. This amino acid position is highly conserved in available vertebrate species. In addition, in silico predictors for this gene do not accurately predict pathogenicity. Missense alterations in APC are not a common cause of disease (Spier I et al. Genet Med. 2024 Feb;26(2):100992). Based on the available evidence, the clinical significance of this variant remains unclear.

Baylor Genetics
Classification: Uncertain significance for Familial adenomatous polyposis 1. Last evaluated: 2024-03-08. Review status: criteria provided, single submitter. Criteria: ACMG Guidelines, 2015. Collection method: clinical testing. Allele origin: unknown.

GeneDx
Classification: Uncertain significance. Last evaluated: 2023-07-27. Review status: criteria provided, single submitter. Criteria: GeneDx Variant Classification Process June 2021. Collection method: clinical testing. Allele origin: germline. Affected: yes.
Comment: Not observed at significant frequency in large population cohorts (gnomAD); In silico analysis supports that this missense variant has a deleterious effect on protein structure/function; Has not been previously published as pathogenic or benign to our knowledge; This variant is associated with the following publications: (PMID: 18199528)

Labcorp Genetics (formerly Invitae), Labcorp
Classification: Uncertain significance for Familial adenomatous polyposis 1. Last evaluated: 2019-11-28. Review status: criteria provided, single submitter. Criteria: Invitae Variant Classification Sherloc (09022015). Collection method: clinical testing. Allele origin: germline.
Comment: This sequence change replaces glycine with glutamic acid at codon 471 of the APC protein (p.Gly471Glu). The glycine residue is highly conserved and there is a moderate physicochemical difference between glycine and glutamic acid. This variant is not present in population databases (ExAC no frequency). This variant has not been reported in the literature in individuals with APC-related conditions. Algorithms developed to predict the effect of missense changes on protein structure and function are either unavailable or do not agree on the potential impact of this missense change (SIFT: "Deleterious"; PolyPhen-2: "Probably Damaging"; Align-GVGD: "Class C0"). In summary, the available evidence is currently insufficient to determine the role of this variant in disease. Therefore, it has been classified as a Variant of Uncertain Significance.

NM_000038.6(APC):c.1412G>A (p.Gly471Glu)

Gene: APC (APC regulator of Wnt signaling pathway; plus strand). Cytogenetic location: 5q22.2.
Variant type: single nucleotide variant.
Coding change: c.1412G>A on transcript NM_000038.6 (MANE Select); coding-DNA position 1412, G replaced by A.
Protein change: p.Gly471Glu; replaces glycine 471 with glutamic acid.
Molecular consequence: missense variant.
Genome position (GRCh38, 1-based): chr5:112,827,111, G>A. VCF-style: chr5-112827111-G-A. GRCh37 (hg19) VCF-style: chr5-112162808-G-A.
Other names: c.1412G>A, p.Gly471Glu (NM_001127510.3, NM_001354895.2); c.1358G>A, p.Gly453Glu (NM_001127511.3); c.1466G>A, p.Gly489Glu (NM_001354896.2); c.1442G>A, p.Gly481Glu (NM_001354897.2); c.1337G>A, p.Gly446Glu (NM_001354898.2); c.1328G>A, p.Gly443Glu (NM_001354899.2); c.1289G>A, p.Gly430Glu (NM_001354900.2); c.1235G>A, p.Gly412Glu (NM_001354901.2); and 5 more; short protein forms G370E, G380E, G412E, G453E, G481E, G188E, G311E, G345E.
Identifiers: ClinVar variation 855457 (VCV000855457.14), dbSNP rs1191271600, ClinGen allele CA16024400.